The following is an entry in ClinVar:

ClinVar aggregate classification (germline): Benign/Likely benign. Review status: criteria provided, multiple submitters, no conflicts (2 of 4 stars). 3 submissions from 3 submitters: Benign (1); Likely benign (1). 1 of the submissions does not count toward it. Last evaluated 2025-06-13.

Conditions:
CREBBP-related disorder. Also called: CREBBP-related disorders; CREBBP-related condition.
Rubinstein-Taybi syndrome (RSTS). Identifiers: Orphanet 783, MedGen C0035934, MONDO:0019188.

Allele frequency attached by ClinVar (database versions not stated): ExAC 0.00002; gnomAD 0.00005; TOPMed 0.00005.
gnomAD v4.1: 51 of 1,614,072 alleles (0.0032%); highest among the groups gnomAD compares: Non-Finnish European, 0.00051%; no homozygotes.

Submissions (3):

Labcorp Genetics (formerly Invitae), Labcorp
Classification: Benign for Rubinstein-Taybi syndrome. Last evaluated: 2025-06-13. Review status: criteria provided, single submitter. Criteria: Invitae Variant Classification Sherloc (09022015). Collection method: clinical testing. Allele origin: germline.

CeGaT Center for Human Genetics Tuebingen
Classification: Likely benign. Last evaluated: 2024-01-01. Review status: criteria provided, single submitter. Criteria: CeGaT Center For Human Genetics Tuebingen Variant Classification Criteria Version 2. Collection method: clinical testing. Allele origin: germline. Affected: yes. Observed: 1 variant allele.
Comment: CREBBP: BP4

PreventionGenetics, part of Exact Sciences
Classification: Likely benign for CREBBP-related condition. Last evaluated: 2021-12-08. Review status: no assertion criteria provided. Collection method: clinical testing. Allele origin: germline. Not counted in ClinVar's aggregate classification.
Comment: This variant is classified as likely benign based on ACMG/AMP sequence variant interpretation guidelines (Richards et al. 2015 PMID: 25741868, with internal and published modifications).

NM_004380.3(CREBBP):c.412G>A (p.Ala138Thr)

Gene: CREBBP (CREB binding lysine acetyltransferase; minus strand). Cytogenetic location: 16p13.3.
Variant type: single nucleotide variant.
Coding change: c.412G>A on transcript NM_004380.3 (MANE Select); coding-DNA position 412, G replaced by A.
Protein change: p.Ala138Thr; replaces alanine 138 with threonine.
Molecular consequence: missense variant.
Genome position (GRCh38, 1-based): chr16:3,850,683, C>T on the plus strand (G>A on the coding strand, the complement: CREBBP is on the minus strand). VCF-style: chr16-3850683-C-T. GRCh37 (hg19) VCF-style: chr16-3900684-C-T.
Other names: c.412G>A, p.Ala138Thr (NM_001079846.1); c.412G>A (NM_004380.2); short protein forms A138T.
Identifiers: ClinVar variation 2064121 (VCV002064121.27), dbSNP rs750523670, ClinGen allele CA7870683.